The following is an entry in ClinVar:

NM_015420.7(DCAF13):c.624+15del

Gene: DCAF13 (DDB1 and CUL4 associated factor 13; plus strand). Cytogenetic location: 8q22.3.
Variant type: Deletion.
Coding change: c.624+15del on transcript NM_015420.7 (MANE Select); 15 bases into the intron after coding-DNA position 624, one base deleted (T; older notation c.624+15delT).
Molecular consequence: intron variant.
Genome position (GRCh38, 1-based): chr8:103,427,267, T deleted; the last of 9 consecutive T bases (chr8:103,427,259-103,427,267); deleting any one gives the same sequence. VCF-style (leftmost placement, unchanged base first): chr8-103427258-GT-G. GRCh37 (hg19) VCF-style: chr8-104439486-GT-G.
Other names: c.279+15del (NM_001416065.1).
Identifiers: ClinVar variation 2658735 (VCV002658735.23), dbSNP rs531567041, ClinGen allele CA4835996.
Genomic context (GRCh38, chr8:103,427,258, plus strand): 5'-TTCAATGACCTGGGGATTTGACAGTATAAGTAGTGTTAAATTTAACCCAATTGAGGTAAT[GT>G]TTTTTTTTAAGTATGTTTTACTTATTATGGCTTAATAATTTCAGTTCTGTTTAGAAAACT-3'

ClinVar aggregate classification (germline): Likely benign (1 of 4 stars; one submission).

Submission:

CeGaT Center for Human Genetics Tuebingen
Classification: Likely benign. Last evaluated: 2022-12-01. Review status: criteria provided, single submitter. Criteria: CeGaT Center For Human Genetics Tuebingen Variant Classification Criteria Version 2. Collection method: clinical testing. Allele origin: germline. Affected: yes. Observed: 1 variant allele.
Comment: DCAF13: BS2; ENSG00000285982: BS2